The following is an entry in ClinVar:

ClinVar aggregate classification (germline): Uncertain significance (1 of 4 stars; one submission).

Submission:

Ambry Genetics
Classification: Uncertain significance. Last evaluated: 2025-06-13. Review status: criteria provided, single submitter. Criteria: Ambry Variant Classification Scheme 2023. Collection method: clinical testing. Allele origin: germline.
Comment: The p.E234K variant (also known as c.700G>A), located in coding exon 8 of the FAM175A gene, results from a G to A substitution at nucleotide position 700. The glutamic acid at codon 234 is replaced by lysine, an amino acid with similar properties. This amino acid position is conserved. In addition, this alteration is predicted to be tolerated by in silico analysis. Based on the available evidence, the clinical significance of this variant remains unclear.

NM_139076.3(ABRAXAS1):c.700G>A (p.Glu234Lys)

Gene: ABRAXAS1 (abraxas 1, BRCA1 A complex subunit; minus strand). Cytogenetic location: 4q21.23.
Variant type: single nucleotide variant.
Coding change: c.700G>A on transcript NM_139076.3 (MANE Select); coding-DNA position 700, G replaced by A.
Protein change: p.Glu234Lys; replaces glutamic acid 234 with lysine.
Molecular consequence: missense variant.
Genome position (GRCh38, 1-based): chr4:83,463,590, C>T on the plus strand (G>A on the coding strand, the complement: ABRAXAS1 is on the minus strand). VCF-style: chr4-83463590-C-T. GRCh37 (hg19) VCF-style: chr4-84384743-C-T.
Other names: c.373G>A, p.Glu125Lys (NM_001345962.2); short protein forms E125K, E234K.
Identifiers: ClinVar variation 3994466 (VCV003994466.1).